The following is an entry in ClinVar:

ClinVar aggregate classification (germline): Pathogenic. Review status: reviewed by expert panel (3 of 4 stars). 6 submissions from 6 submitters: Pathogenic (1). 5 of the submissions do not count toward it. Last evaluated 2025-10-14.

Conditions:
Glycogen storage disease, type II (IOPD). Also called: Glucosidase acid-1,4-alpha deficiency; GLYCOGENOSIS, GENERALIZED, CARDIAC FORM; GSD II; Glycogen storage disease type 2; Acid maltase deficiency disease; Aglucosidase alfa. Identifiers: Orphanet 365, MedGen C0017921, MONDO:0009290, OMIM 232300.

gnomAD v4.1: 11 of 1,614,032 alleles (0.00068%); no homozygotes.

Submissions (6):

ClinGen Lysosomal Storage Disorder Variant Curation Expert Panel
Classification: Pathogenic for Glycogen storage disease, type II. Last evaluated: 2025-10-14. Review status: reviewed by expert panel. Criteria: clingen_lsd_acmg_specifications_v2-1. Collection method: curation. Allele origin: germline. Inheritance: Autosomal recessive inheritance.
Comment: The NM_000152.5:c.1725C>A (p.Tyr575Ter) variant in GAA is a nonsense variant predicted to cause a premature stop codon in biologically-relevant-exon 12/20, leading to nonsense mediated decay in a gene in which loss-of-function is an established disease mechanism (PVS1). At least one patient with this variant has been reported with late onset Pompe disease and <10% GAA normal GAA activity in leukocytes and is compound heterozygous with c.1634C>T (p.Pro545Leu) (PMID 19472353) (PP4_Moderate). The highest population minor allele frequency in gnomAD v4.1.0. is 0.0001720 (11/63956 alleles) in the European (Finnish) population (PM2_Supporting). There is a ClinVar entry for this variant (Variation ID: 972744, 2 star review status) with 2 submitters classifying the variant as Pathogenic. In summary, this variant meets the criteria to be classified as Pathogenic for Pompe disease based on the ACMG/AMP criteria applied, as specified by the ClinGen Lysosomal Diseases Variant Curation Expert Panel (Specifications Version 2.0): PVS1, PP4_Moderate, PM2_Supporting. Classification approved by the ClinGen Lysosomal Diseases Variant Curation Expert Panel on October 24, 2025)

Genomenon, Inc
Classification: Pathogenic for Glycogen storage disease, type II. Last evaluated: 2026-07-01. Review status: criteria provided, single submitter. Criteria: Genomenon Sequence Variant Interpretation Standards - Updated. Collection method: curation. Allele origin: germline. Affected: yes. Not counted in ClinVar's aggregate classification.
Comment: GAA p.Tyr575Ter (c.1725C>A) is a nonsense variant that introduces a premature stop codon at amino acid position 575 and is predicted to result in a truncated or absent protein product. This variant has been observed in at least one proband with a GAA-related disorder (PMID:19472353). It is absent or not present at a significant frequency in gnomAD. In conclusion, we classify GAA p.Tyr575Ter (c.1725C>A) as a pathogenic variant.

Variantyx, Inc.
Classification: Pathogenic for Glycogen storage disease, type II. Last evaluated: 2025-08-25. Review status: criteria provided, single submitter. Criteria: Variantyx Assertion Criteria 2022. Collection method: clinical testing. Allele origin: germline. Inheritance: Autosomal recessive inheritance. Affected: no. Not counted in ClinVar's aggregate classification.
Comment: This is a nonsense variant in the GAA gene (OMIM: 606800). Pathogenic variants in this gene have been associated with autosomal recessive glycogen storage disease II. This variant introduces a premature termination codon in exon 12 out of 20 and is expected to result in loss of function, which is a known disease mechanism for GAA in this disorder (PMID: 18425781, 31342611) (PVS1). The clinical symptoms reported In the literature for an affected individual with this variant are highly specific for autosomal recessive glycogen storage disease II, which has a limited genetic etiology (PMID: 19472353) (PP4). This variant has been identified in the compound heterozygous state in at least one individual reported in the published literature (PMID: 19472353) (PM3, while it is absent from control populations (PM2). Based on the current evidence, this variant is classified as pathogenic for autosomal recessive glycogen storage disease II.

Myriad Genetics, Inc.
Classification: Pathogenic for Glycogen storage disease, type II. Last evaluated: 2025-07-26. Review status: criteria provided, single submitter. Criteria: Myriad Autosomal Dominant, Autosomal Recessive and X-Linked Classification Criteria (2023). Collection method: clinical testing. Allele origin: unknown. Not counted in ClinVar's aggregate classification.
Comment: NM_000152.3(GAA):c.1725C>A(Y575*) is a nonsense variant classified as pathogenic in the context of Pompe disease. Y575* has been observed in a case with relevant disease (PMID: 19472353). Relevant functional assessments of this variant are not available in the literature. Y575* has been observed in referenced population frequency databases. In summary, NM_000152.3(GAA):c.1725C>A(Y575*) is a nonsense variant in a gene where loss of function is a known mechanism of disease, is predicted to disrupt protein function, and has been observed more frequently in cases with the relevant disease than in healthy populations. Please note: this variant was assessed in the context of healthy population screening.

Baylor Genetics
Classification: Pathogenic for Glycogen storage disease, type II. Last evaluated: 2024-03-16. Review status: criteria provided, single submitter. Criteria: ACMG Guidelines, 2015. Collection method: clinical testing. Allele origin: unknown. Not counted in ClinVar's aggregate classification.

Broad Center for Mendelian Genomics, Broad Institute of MIT and Harvard
Classification: Pathogenic for Glycogen storage disease, type II. Last evaluated: 2020-01-15. Review status: criteria provided, single submitter. Criteria: ACMG Guidelines, 2015. Collection method: curation. Allele origin: germline. Inheritance: Autosomal recessive inheritance. Not counted in ClinVar's aggregate classification.
Comment: Although this variant has been seen in the general population, its frequency is low enough to be consistent with a recessive carrier frequency. This nonsense variant leads to a premature termination codon at position 575, which is predicted to lead to a truncated or absent protein. Loss of function of the GAA gene is an established disease mechanism in autosomal recessive glycogen storage disease II. Additionally, this variant has been reported in combination with reported likely pathogenic variant p.Pro545Leu (VariationID: 4032, PMID: 19472353) and in an individual with glycogen storage disease II. The phenotype of an individual compound heterozygous for this variant is highly specific for glycogen storage disease II based on GAA activity less than 10% of WT, consistent with disease (PMID: 19472353). In summary, this variant meets criteria to be classified as pathogenic for glycogen storage disease II in an autosomal recessive manner based on the prediction that it will cause loss of function of the GAA gene and the low frequency of the variant in the general population. ACMG/AMP Criteria applied: PVS1, PM2, PP4 (Richards 2015).

Literature cited by the submitters: PubMed 19472353 (cited by 4 submitters); PubMed 18425781 (cited by Variantyx, Inc.); PubMed 22252923 (cited by Variantyx, Inc.).

NM_000152.5(GAA):c.1725C>A (p.Tyr575Ter)

Gene: GAA (alpha glucosidase; plus strand). Cytogenetic location: 17q25.3.
Variant type: single nucleotide variant.
Coding change: c.1725C>A on transcript NM_000152.5 (MANE Select); coding-DNA position 1725, C replaced by A.
Protein change: p.Tyr575Ter; replaces tyrosine 575 with a stop codon.
Molecular consequence: nonsense.
Genome position (GRCh38, 1-based): chr17:80,112,071, C>A. VCF-style: chr17-80112071-C-A. GRCh37 (hg19) VCF-style: chr17-78085870-C-A.
Other names: NM_000152.5(GAA):c.1725C>A; p.Tyr575Ter; c.1725C>A, p.Tyr575Ter (NM_001079803.3, NM_001079804.3); short protein forms Y575*.
Identifiers: ClinVar variation 972744 (VCV000972744.7), dbSNP rs112517802, ClinGen allele CA8815439.